The following is an entry in ClinVar:

NM_001385012.1(NBEA):c.6888C>T (p.Asn2296=)

Gene: NBEA (neurobeachin; plus strand). Cytogenetic location: 13q13.3.
Variant type: single nucleotide variant.
Coding change: c.6888C>T on transcript NM_001385012.1 (MANE Select); coding-DNA position 6888, C replaced by T.
Protein change: p.Asn2296=; no amino-acid change (asparagine 2296 retained).
Molecular consequence: synonymous variant.
Genome position (GRCh38, 1-based): chr13:35,555,068, C>T. VCF-style: chr13-35555068-C-T. GRCh37 (hg19) VCF-style: chr13-36129205-C-T.
Other names: c.267C>T, p.Asn89= (NM_001204197.3); c.6879C>T, p.Asn2293= (NM_001379245.1); c.6888C>T, p.Asn2296= (NM_015678.5).
Identifiers: ClinVar variation 1701221 (VCV001701221.33), dbSNP rs368849054, ClinGen allele CA6947615.
Genomic context (GRCh38, chr13:35,555,068, plus strand): 5'-TCGACAGCTTTATAAATCTTCCAATATGACTCAGCGCTGGCAAAGAAGGGAAATTTCAAA[C>T]TTCGAATATTTGATGTTCCTTAATACTATTGCAGGTAAGATGTCTCATTCTTTAATCTAA-3'
Protein context (NP_001371941.1, residues 2286-2306): TQRWQRREIS[Asn2296=]FEYLMFLNTI

ClinVar aggregate classification (germline): Likely benign. Review status: criteria provided, multiple submitters, no conflicts (2 of 4 stars). 3 submissions from 3 submitters: Likely benign (3). Last evaluated 2026-05-26.

Allele frequency attached by ClinVar (database versions not stated): ESP Exome Variant Server 0.00008; gnomAD 0.00009 and 0.00010; gnomAD exomes 0.00014 and 0.00016; TOPMed 0.00018; ExAC 0.00020.
gnomAD v4.1: 206 of 1,610,078 alleles (0.013%); highest among the groups gnomAD compares: South Asian, 0.077%; no homozygotes.

Submissions (3):

Women's Health and Genetics/Laboratory Corporation of America, LabCorp
Classification: Likely benign. Last evaluated: 2026-05-26. Review status: criteria provided, single submitter. Criteria: LabCorp Variant Classification Summary - May 2015. Collection method: clinical testing. Allele origin: germline.

Blueprint Genetics
Classification: Likely benign. Last evaluated: 2023-03-24. Review status: criteria provided, single submitter. Criteria: ACMG Guidelines, 2015. Collection method: clinical testing. Allele origin: germline.

CeGaT Center for Human Genetics Tuebingen
Classification: Likely benign. Last evaluated: 2022-07-01. Review status: criteria provided, single submitter. Criteria: CeGaT Center For Human Genetics Tuebingen Variant Classification Criteria Version 2. Collection method: clinical testing. Allele origin: germline. Affected: yes. Observed: 1 variant allele.
Comment: NBEA: BP4, BP7